The following is an entry in ClinVar:

NM_001384474.1(LOXHD1):c.1364G>A (p.Arg455Gln)

Gene: LOXHD1 (lipoxygenase homology PLAT domains 1; minus strand). Cytogenetic location: 18q21.1.
Variant type: single nucleotide variant.
Coding change: c.1364G>A on transcript NM_001384474.1 (MANE Select); coding-DNA position 1364, G replaced by A.
Protein change: p.Arg455Gln; replaces arginine 455 with glutamine.
Molecular consequence: missense variant.
Genome position (GRCh38, 1-based): chr18:46,593,667, C>T on the plus strand (G>A on the coding strand, the complement: LOXHD1 is on the minus strand). VCF-style: chr18-46593667-C-T. GRCh37 (hg19) VCF-style: chr18-44173630-C-T.
Other names: c.1364G>A, p.Arg455Gln (NM_144612.7); short protein forms R455Q.
Identifiers: ClinVar variation 2153252 (VCV002153252.1), dbSNP rs199771475, ClinGen allele CA8952814.

ClinVar aggregate classification (germline): Uncertain significance (1 of 4 stars; one submission).

Allele frequency attached by ClinVar (database versions not stated): gnomAD 0.00003; ExAC 0.00004; TOPMed 0.00005.
gnomAD v4.1: 48 of 1,552,142 alleles (0.0031%); highest among the groups gnomAD compares: East Asian, 0.037%; no homozygotes.

Submission:

Labcorp Genetics (formerly Invitae), Labcorp
Classification: Uncertain significance. Last evaluated: 2022-08-06. Review status: criteria provided, single submitter. Criteria: Invitae Variant Classification Sherloc (09022015). Collection method: clinical testing. Allele origin: germline.
Comment: This sequence change replaces arginine, which is basic and polar, with glutamine, which is neutral and polar, at codon 455 of the LOXHD1 protein (p.Arg455Gln). This variant is present in population databases (rs199771475, gnomAD 0.09%). This variant has not been reported in the literature in individuals affected with LOXHD1-related conditions. Algorithms developed to predict the effect of missense changes on protein structure and function (SIFT, PolyPhen-2, Align-GVGD) all suggest that this variant is likely to be tolerated. In summary, the available evidence is currently insufficient to determine the role of this variant in disease. Therefore, it has been classified as a Variant of Uncertain Significance.